The following is an entry in ClinVar:

ClinVar aggregate classification (germline): Conflicting classifications of pathogenicity. Review status: criteria provided, conflicting classifications (1 of 4 stars). 4 submissions from 3 submitters: Uncertain significance (1); Benign (1); Likely benign (2). Last evaluated 2025-12-19.

Conditions:
Bronchiectasis with or without elevated sweat chloride 2 (BESC2). Identifiers: Orphanet 60033, MedGen C2751666, MONDO:0013087, OMIM 613021.
Pseudohypoaldosteronism, type IB1, autosomal recessive. Also called: PHA I, AUTOSOMAL RECESSIVE; Autosomal recessive pseudohypoaldosteronism type 1; Pseudohypoaldosteronism, Type I, Recessive; Pseudohypoaldosteronism, Type I, Autosomal Recessive. Identifiers: Orphanet 171876, Orphanet 756, MedGen C5774176, MONDO:0009917, OMIM 264350.

Allele frequency attached by ClinVar (database versions not stated): ExAC 0.00035; gnomAD 0.00036; gnomAD exomes 0.00042 and 0.00061; TOPMed 0.00043; 1000 Genomes Project 0.00060; 1000 Genomes Project 30x 0.00062; ESP Exome Variant Server 0.00085.
gnomAD v4.1: 972 of 1,613,764 alleles (0.06%); highest among the groups gnomAD compares: Non-Finnish European, 0.069%; 1 homozygote.

Submissions (4):

Labcorp Genetics (formerly Invitae), Labcorp
Classification: Likely benign. Last evaluated: 2025-12-19. Review status: criteria provided, single submitter. Criteria: Invitae Variant Classification Sherloc (09022015). Collection method: clinical testing. Allele origin: germline.

CeGaT Center for Human Genetics Tuebingen
Classification: Likely benign. Last evaluated: 2022-10-01. Review status: criteria provided, single submitter. Criteria: CeGaT Center For Human Genetics Tuebingen Variant Classification Criteria Version 2. Collection method: clinical testing. Allele origin: germline. Affected: yes. Observed: 1 variant allele.
Comment: SCNN1A: BP4, BP7

Illumina Laboratory Services, Illumina
Classification: Uncertain significance for Pseudohypoaldosteronism, type IB1, autosomal recessive. Last evaluated: 2018-01-12. Review status: criteria provided, single submitter. Criteria: ICSL Variant Classification Criteria 13 December 2019. Collection method: clinical testing. Allele origin: germline.

Illumina Laboratory Services, Illumina
Classification: Benign for Bronchiectasis with or without elevated sweat chloride 2. Last evaluated: 2018-01-12. Review status: criteria provided, single submitter. Criteria: ICSL Variant Classification Criteria 13 December 2019. Collection method: clinical testing. Allele origin: germline.
Comment: This variant was observed in the ICSL laboratory as part of a predisposition screen in an ostensibly healthy population. It had not been previously curated by ICSL or reported in the Human Gene Mutation Database (HGMD: prior to June 1st, 2018), and was therefore a candidate for classification through an automated scoring system. Utilizing variant allele frequency, disease prevalence and penetrance estimates, and inheritance mode, an automated score was calculated to assess if this variant is too frequent to cause the disease. Based on the score and internal cut-off values, a variant classified as benign is not then subjected to further curation. The score for this variant resulted in a classification of benign for this disease.

NM_001038.6(SCNN1A):c.126G>A (p.Thr42=)

Gene: SCNN1A (sodium channel epithelial 1 subunit alpha; minus strand). Cytogenetic location: 12p13.31.
Variant type: single nucleotide variant.
Coding change: c.126G>A on transcript NM_001038.6 (MANE Select); coding-DNA position 126, G replaced by A.
Protein change: p.Thr42=; no amino-acid change (threonine 42 retained).
Molecular consequence: synonymous variant.
Genome position (GRCh38, 1-based): chr12:6,374,658, C>T on the plus strand (G>A on the coding strand, the complement: SCNN1A is on the minus strand). VCF-style: chr12-6374658-C-T. GRCh37 (hg19) VCF-style: chr12-6483824-C-T.
Other names: c.195G>A, p.Thr65= (NM_001159575.2); c.303G>A, p.Thr101= (NM_001159576.2).
Identifiers: ClinVar variation 779151 (VCV000779151.36), dbSNP rs138995556, ClinGen allele CA6406301.